The following is an entry in ClinVar:

NM_001197104.2(KMT2A):c.8592G>T (p.Gln2864His)

Gene: KMT2A (lysine methyltransferase 2A; plus strand). Cytogenetic location: 11q23.3.
Variant type: single nucleotide variant.
Coding change: c.8592G>T on transcript NM_001197104.2 (MANE Select); coding-DNA position 8592, G replaced by T.
Protein change: p.Gln2864His; replaces glutamine 2864 with histidine.
Molecular consequence: missense variant.
Genome position (GRCh38, 1-based): chr11:118,504,484, G>T. VCF-style: chr11-118504484-G-T. GRCh37 (hg19) VCF-style: chr11-118375199-G-T.
Other names: c.8583G>T, p.Gln2861His (NM_005933.4); short protein forms Q2864H, Q2861H.
Identifiers: ClinVar variation 1507683 (VCV001507683.8), dbSNP rs2134399572, ClinGen allele CA382814916.

ClinVar aggregate classification (germline): Uncertain significance (1 of 4 stars; one submission).

Submission:

Labcorp Genetics (formerly Invitae), Labcorp
Classification: Uncertain significance. Last evaluated: 2022-08-16. Review status: criteria provided, single submitter. Criteria: Invitae Variant Classification Sherloc (09022015). Collection method: clinical testing. Allele origin: germline.
Comment: ClinVar contains an entry for this variant (Variation ID: 1507683). This variant has not been reported in the literature in individuals affected with KMT2A-related conditions. This variant is not present in population databases (gnomAD no frequency). This sequence change replaces glutamine, which is neutral and polar, with histidine, which is basic and polar, at codon 2864 of the KMT2A protein (p.Gln2864His). In summary, the available evidence is currently insufficient to determine the role of this variant in disease. Therefore, it has been classified as a Variant of Uncertain Significance. Algorithms developed to predict the effect of missense changes on protein structure and function are either unavailable or do not agree on the potential impact of this missense change (SIFT: "Tolerated"; PolyPhen-2: "Probably Damaging"; Align-GVGD: "Class C0").